The following is an entry in ClinVar:

ClinVar aggregate classification (germline): Likely benign. Review status: criteria provided, single submitter (1 of 4 stars). 2 submissions from 2 submitters: Likely benign (1). 1 of the submissions does not count toward it. Last evaluated 2024-02-24.

Conditions:
DARS1-related disorder. Also called: DARS1-related condition.

Allele frequency attached by ClinVar (database versions not stated): gnomAD exomes 0.00001 and 0.00002; ExAC 0.00002; gnomAD 0.00003 and 0.00004; ESP Exome Variant Server 0.00008; TOPMed 0.00009; 1000 Genomes Project 0.00020; 1000 Genomes Project 30x 0.00031.
gnomAD v4.1: 8 of 1,613,732 alleles (0.0005%); highest among the groups gnomAD compares: African/African-American, 0.0093%; no homozygotes.

Submissions (2):

Labcorp Genetics (formerly Invitae), Labcorp
Classification: Likely benign. Last evaluated: 2024-02-24. Review status: criteria provided, single submitter. Criteria: Invitae Variant Classification Sherloc (09022015). Collection method: clinical testing. Allele origin: germline.

PreventionGenetics, part of Exact Sciences
Classification: Likely benign for DARS1-related condition. Last evaluated: 2024-09-06. Review status: no assertion criteria provided. Collection method: clinical testing. Allele origin: germline. Not counted in ClinVar's aggregate classification.
Comment: This variant is classified as likely benign based on ACMG/AMP sequence variant interpretation guidelines (Richards et al. 2015 PMID: 25741868, with internal and published modifications).

NM_001349.4(DARS1):c.366A>G (p.Lys122=)

Gene: DARS1 (aspartyl-tRNA synthetase 1; minus strand). Cytogenetic location: 2q21.3.
Variant type: single nucleotide variant.
Coding change: c.366A>G on transcript NM_001349.4 (MANE Select); coding-DNA position 366, A replaced by G.
Protein change: p.Lys122=; no amino-acid change (lysine 122 retained).
Molecular consequence: synonymous variant.
Genome position (GRCh38, 1-based): chr2:135,943,435, T>C on the plus strand (A>G on the coding strand, the complement: DARS1 is on the minus strand). VCF-style: chr2-135943435-T-C. GRCh37 (hg19) VCF-style: chr2-136701005-T-C.
Other names: c.66A>G, p.Lys22= (NM_001293312.1); c.366A>G (NM_001349.3).
Identifiers: ClinVar variation 1682563 (VCV001682563.7), dbSNP rs200029648, ClinGen allele CA1889850.